The following is an entry in ClinVar:

NM_012418.4(FSCN2):c.227G>T (p.Arg76Leu)

Gene: FSCN2 (fascin actin-bundling protein 2, retinal; plus strand). Cytogenetic location: 17q25.3.
Variant type: single nucleotide variant.
Coding change: c.227G>T on transcript NM_012418.4 (MANE Select); coding-DNA position 227, G replaced by T.
Protein change: p.Arg76Leu; replaces arginine 76 with leucine.
Molecular consequence: missense variant.
Genome position (GRCh38, 1-based): chr17:81,528,758, G>T. VCF-style: chr17-81528758-G-T. GRCh37 (hg19) VCF-style: chr17-79495784-G-T.
Other names: c.227G>T, p.Arg76Leu (NM_001077182.3); short protein forms R76L.
Identifiers: ClinVar variation 2969654 (VCV002969654.3), dbSNP rs376532437, ClinGen allele CA401470323.

ClinVar aggregate classification (germline): Uncertain significance (1 of 4 stars; one submission).

gnomAD v4.1: 1 of 1,582,848 alleles (0.000063%); no homozygotes.

Submission:

Labcorp Genetics (formerly Invitae), Labcorp
Classification: Uncertain significance. Last evaluated: 2023-05-15. Review status: criteria provided, single submitter. Criteria: Invitae Variant Classification Sherloc (09022015). Collection method: clinical testing. Allele origin: germline.
Comment: This variant has not been reported in the literature in individuals affected with FSCN2-related conditions. An algorithm developed to predict the effect of missense changes on protein structure and function (PolyPhen-2) suggests that this variant is likely to be tolerated. In summary, the available evidence is currently insufficient to determine the role of this variant in disease. Therefore, it has been classified as a Variant of Uncertain Significance. This variant is not present in population databases (gnomAD no frequency). This sequence change replaces arginine, which is basic and polar, with leucine, which is neutral and non-polar, at codon 76 of the FSCN2 protein (p.Arg76Leu).